The following is an entry in ClinVar:

NM_000732.6(CD3D):c.114T>A (p.Asn38Lys)

Gene: CD3D (CD3 delta subunit of T-cell receptor complex; minus strand). Cytogenetic location: 11q23.3.
Variant type: single nucleotide variant.
Coding change: c.114T>A on transcript NM_000732.6 (MANE Select); coding-DNA position 114, T replaced by A.
Protein change: p.Asn38Lys; replaces asparagine 38 with lysine.
Molecular consequence: missense variant.
Genome position (GRCh38, 1-based): chr11:118,340,535, A>T on the plus strand (T>A on the coding strand, the complement: CD3D is on the minus strand). VCF-style: chr11-118340535-A-T. GRCh37 (hg19) VCF-style: chr11-118211250-A-T.
Other names: c.114T>A, p.Asn38Lys (NM_001040651.2); short protein forms N38K.
Identifiers: ClinVar variation 845145 (VCV000845145.9), dbSNP rs193284900, ClinGen allele CA6301987.

ClinVar aggregate classification (germline): Uncertain significance. Review status: criteria provided, multiple submitters, no conflicts (2 of 4 stars). 2 submissions from 2 submitters: Uncertain significance (2). Last evaluated 2025-08-02.

Conditions:
Immunodeficiency 19 (IMD19). Also called: IMMUNODEFICIENCY 19, SEVERE COMBINED; CD3-DELTA DEFICIENCY; SEVERE COMBINED IMMUNODEFICIENCY, T CELL-NEGATIVE, B CELL-POSITIVE, NK CELL-POSITIVE; SCID, T CELL-NEGATIVE, B CELL-POSITIVE, NK CELL-POSITIVE. Identifiers: MedGen C3810147, MONDO:0014280, OMIM 615617.
Inborn genetic diseases. Identifiers: MedGen C0950123, MeSH D030342.

Allele frequency attached by ClinVar (database versions not stated): gnomAD exomes 0.00001; ExAC 0.00005; gnomAD 0.00007 and 0.00011; TOPMed 0.00020; 1000 Genomes Project 0.00120; 1000 Genomes Project 30x 0.00125.
gnomAD v4.1: 22 of 1,614,006 alleles (0.0014%); highest among the groups gnomAD compares: Admixed American, 0.035%; 1 homozygote.

Submissions (2):

Ambry Genetics
Classification: Uncertain significance for Inborn genetic diseases. Last evaluated: 2025-08-02. Review status: criteria provided, single submitter. Criteria: Ambry Variant Classification Scheme 2023. Collection method: clinical testing. Allele origin: germline.

Labcorp Genetics (formerly Invitae), Labcorp
Classification: Uncertain significance for Immunodeficiency 19. Last evaluated: 2022-07-20. Review status: criteria provided, single submitter. Criteria: Invitae Variant Classification Sherloc (09022015). Collection method: clinical testing. Allele origin: germline.
Comment: This sequence change replaces asparagine, which is neutral and polar, with lysine, which is basic and polar, at codon 38 of the CD3D protein (p.Asn38Lys). This variant is present in population databases (rs193284900, gnomAD 0.01%). This variant has not been reported in the literature in individuals affected with CD3D-related conditions. ClinVar contains an entry for this variant (Variation ID: 845145). Algorithms developed to predict the effect of missense changes on protein structure and function (SIFT, PolyPhen-2, Align-GVGD) all suggest that this variant is likely to be tolerated. In summary, the available evidence is currently insufficient to determine the role of this variant in disease. Therefore, it has been classified as a Variant of Uncertain Significance.